The following is an entry in ClinVar:

NM_024422.6(DSC2):c.1547G>C (p.Gly516Ala)

Gene: DSC2 (desmocollin 2; minus strand). Cytogenetic location: 18q12.1.
Variant type: single nucleotide variant.
Coding change: c.1547G>C on transcript NM_024422.6 (MANE Select); coding-DNA position 1547, G replaced by C.
Protein change: p.Gly516Ala; replaces glycine 516 with alanine.
Molecular consequence: missense variant.
Genome position (GRCh38, 1-based): chr18:31,079,963, C>G on the plus strand (G>C on the coding strand, the complement: DSC2 is on the minus strand). VCF-style: chr18-31079963-C-G. GRCh37 (hg19) VCF-style: chr18-28659929-C-G.
Other names: c.1118G>C, p.Gly373Ala (NM_001406506.1, NM_001406507.1); c.1547G>C, p.Gly516Ala (NM_004949.5); short protein forms G373A, G516A.
Identifiers: ClinVar variation 1987159 (VCV001987159.4), dbSNP rs1402893994, ClinGen allele CA402108207.

ClinVar aggregate classification (germline): Uncertain significance (1 of 4 stars; one submission).

Conditions:
Arrhythmogenic right ventricular dysplasia 11. Also called: Arrhythmogenic Right Ventricular Dysplasia/Cardiomyopathy11; ARRHYTHMOGENIC RIGHT VENTRICULAR DYSPLASIA, FAMILIAL, 11; Arrhythmogenic right ventricular dysplasia 11 with mild palmoplantar keratoderma and woolly hair. Identifiers: MedGen C1864850, MONDO:0012506, OMIM 610476.

Submission:

Labcorp Genetics (formerly Invitae), Labcorp
Classification: Uncertain significance for Arrhythmogenic right ventricular dysplasia 11. Last evaluated: 2022-10-07. Review status: criteria provided, single submitter. Criteria: Invitae Variant Classification Sherloc (09022015). Collection method: clinical testing. Allele origin: germline.
Comment: Advanced modeling of protein sequence and biophysical properties (such as structural, functional, and spatial information, amino acid conservation, physicochemical variation, residue mobility, and thermodynamic stability) performed at Invitae indicates that this missense variant is not expected to disrupt DSC2 protein function. In summary, the available evidence is currently insufficient to determine the role of this variant in disease. Therefore, it has been classified as a Variant of Uncertain Significance. This variant has not been reported in the literature in individuals affected with DSC2-related conditions. This variant is not present in population databases (gnomAD no frequency). This sequence change replaces glycine, which is neutral and non-polar, with alanine, which is neutral and non-polar, at codon 516 of the DSC2 protein (p.Gly516Ala).